The following is an entry in ClinVar:

NM_014003.4(DHX38):c.2304G>A (p.Glu768=)

Gene: DHX38 (DEAH-box helicase 38; plus strand). Cytogenetic location: 16q22.2.
Variant type: single nucleotide variant.
Coding change: c.2304G>A on transcript NM_014003.4 (MANE Select); coding-DNA position 2304, G replaced by A.
Protein change: p.Glu768=; no amino-acid change (glutamic acid 768 retained).
Molecular consequence: synonymous variant.
Genome position (GRCh38, 1-based): chr16:72,105,273, G>A. VCF-style: chr16-72105273-G-A. GRCh37 (hg19) VCF-style: chr16-72139172-G-A.
Other names: c.2304G>A (NM_014003.3).
Identifiers: ClinVar variation 1166537 (VCV001166537.15), dbSNP rs146896783, ClinGen allele CA8160604.
Genomic context (GRCh38, chr16:72,105,273, plus strand): 5'-CTCCTCCCTGGGCTCTCAGGTGACCTCAGACCAGATTGTGGAGCATCTGGAGGAACTGGA[G>A]AACGCGCCTGCCCTGGCTGTGCTGCCCATCTACTCTCAGCTGCCTTCTGACCTCCAGGCC-3'
Protein context (NP_054722.2, residues 758-778): DQIVEHLEEL[Glu768=]NAPALAVLPI

ClinVar aggregate classification (germline): Benign/Likely benign. Review status: criteria provided, multiple submitters, no conflicts (2 of 4 stars). 5 submissions from 5 submitters: Benign (1); Likely benign (1). 3 of the submissions do not count toward it. Last evaluated 2025-11-27.

Conditions:
DHX38-related disorder. Also called: DHX38-related condition.

Allele frequency attached by ClinVar (database versions not stated): gnomAD exomes 0.00011 and 0.00026; ExAC 0.00036; 1000 Genomes Project 0.00080; gnomAD 0.00084 and 0.00092; 1000 Genomes Project 30x 0.00094; TOPMed 0.00097; ESP Exome Variant Server 0.00139.
gnomAD v4.1: 292 of 1,614,196 alleles (0.018%); highest among the groups gnomAD compares: African/African-American, 0.28%; 1 homozygote.

Submissions (5):

Labcorp Genetics (formerly Invitae), Labcorp
Classification: Benign. Last evaluated: 2025-11-27. Review status: criteria provided, single submitter. Criteria: Invitae Variant Classification Sherloc (09022015). Collection method: clinical testing. Allele origin: germline.

Blueprint Genetics
Classification: Likely benign. Last evaluated: 2024-11-22. Review status: criteria provided, single submitter. Criteria: ACMG Guidelines, 2015. Collection method: clinical testing. Allele origin: germline.

PreventionGenetics, part of Exact Sciences
Classification: Likely benign for DHX38-related condition. Last evaluated: 2019-06-19. Review status: no assertion criteria provided. Collection method: clinical testing. Allele origin: germline. Not counted in ClinVar's aggregate classification.
Comment: This variant is classified as likely benign based on ACMG/AMP sequence variant interpretation guidelines (Richards et al. 2015 PMID: 25741868, with internal and published modifications).

Clinical Genetics DNA and cytogenetics Diagnostics Lab, Erasmus MC, Erasmus Medical Center
Classification: Likely benign. Review status: no assertion criteria provided. Collection method: clinical testing. Allele origin: germline. Affected: yes. Study: VKGL Data-share Consensus. Not counted in ClinVar's aggregate classification.

Clinical Genetics, Academic Medical Center
Classification: Likely benign. Review status: no assertion criteria provided. Collection method: clinical testing. Allele origin: germline. Affected: yes. Study: VKGL Data-share Consensus. Not counted in ClinVar's aggregate classification.